The following is an entry in ClinVar:

ClinVar aggregate classification (germline): Uncertain significance (1 of 4 stars; one submission).

Conditions:
Neuroblastoma, susceptibility to, 3. Also called: ALK-Related Neuroblastic Tumor Susceptibility. Identifiers: Orphanet 635, MedGen C2751681, MONDO:0013083, OMIM 613014.

Submission:

Labcorp Genetics (formerly Invitae), Labcorp
Classification: Uncertain significance for Neuroblastoma, susceptibility to, 3. Last evaluated: 2023-07-16. Review status: criteria provided, single submitter. Criteria: Invitae Variant Classification Sherloc (09022015). Collection method: clinical testing. Allele origin: germline.
Comment: In summary, the available evidence is currently insufficient to determine the role of this variant in disease. Therefore, it has been classified as a Variant of Uncertain Significance. An algorithm developed to predict the effect of missense changes on protein structure and function (PolyPhen-2) suggests that this variant is likely to be tolerated. This variant has not been reported in the literature in individuals affected with ALK-related conditions. This variant is not present in population databases (gnomAD no frequency). This sequence change replaces glutamic acid, which is acidic and polar, with glutamine, which is neutral and polar, at codon 1077 of the ALK protein (p.Glu1077Gln).

NM_004304.5(ALK):c.3229G>C (p.Glu1077Gln)

Gene: ALK (ALK receptor tyrosine kinase; minus strand). Cytogenetic location: 2p23.2.
Variant type: single nucleotide variant.
Coding change: c.3229G>C on transcript NM_004304.5 (MANE Select); coding-DNA position 3229, G replaced by C.
Protein change: p.Glu1077Gln; replaces glutamic acid 1077 with glutamine.
Molecular consequence: missense variant.
Genome position (GRCh38, 1-based): chr2:29,223,472, C>G on the plus strand (G>C on the coding strand, the complement: ALK is on the minus strand). VCF-style: chr2-29223472-C-G. GRCh37 (hg19) VCF-style: chr2-29446338-C-G.
Other names: c.25G>C, p.Glu9Gln (NM_001353765.2); short protein forms E1077Q, E9Q.
Identifiers: ClinVar variation 2743518 (VCV002743518.3), dbSNP rs1553394491, ClinGen allele CA346465410.